The following is an entry in ClinVar:

ClinVar aggregate classification (germline): Uncertain significance (1 of 4 stars; one submission).

Allele frequency attached by ClinVar (database versions not stated): gnomAD exomes below 0.00001; gnomAD 0.00001.
gnomAD v4.1: 3 of 1,567,562 alleles (0.00019%); highest among the groups gnomAD compares: African/African-American, 0.0027%; no homozygotes.

Submission:

Labcorp Genetics (formerly Invitae), Labcorp
Classification: Uncertain significance. Last evaluated: 2021-05-31. Review status: criteria provided, single submitter. Criteria: Invitae Variant Classification Sherloc (09022015). Collection method: clinical testing. Allele origin: germline.
Comment: In summary, the available evidence is currently insufficient to determine the role of this variant in disease. Therefore, it has been classified as a Variant of Uncertain Significance. Nucleotide substitutions within the consensus splice site are a relatively common cause of aberrant splicing (PMID: 17576681, 9536098). Algorithms developed to predict the effect of sequence changes on RNA splicing suggest that this variant is not likely to affect RNA splicing, but this prediction has not been confirmed by published transcriptional studies. This variant has not been reported in the literature in individuals with SI-related conditions. This variant is not present in population databases (ExAC no frequency). This sequence change falls in intron 35 of the SI gene. It does not directly change the encoded amino acid sequence of the SI protein. It affects a nucleotide within the consensus splice site of the intron.

Literature cited by the submitters: PubMed 17576681; PubMed 9536098.

NM_001041.4(SI):c.4179+3A>G

Gene: SI (sucrase-isomaltase; minus strand). Cytogenetic location: 3q26.1.
Variant type: single nucleotide variant.
Coding change: c.4179+3A>G on transcript NM_001041.4 (MANE Select); 3 bases into the intron after coding-DNA position 4179, A replaced by G.
Molecular consequence: intron variant.
Genome position (GRCh38, 1-based): chr3:165,009,276, T>C on the plus strand (A>G on the coding strand, the complement: SI is on the minus strand). VCF-style: chr3-165009276-T-C. GRCh37 (hg19) VCF-style: chr3-164727064-T-C.
Identifiers: ClinVar variation 1516482 (VCV001516482.6), dbSNP rs921202443, ClinGen allele CA86502478.